The following is an entry in ClinVar:

NM_001166108.2(PALLD):c.1506G>C (p.Glu502Asp)

Gene: PALLD (palladin, cytoskeletal associated protein; plus strand). Cytogenetic location: 4q32.3.
Variant type: single nucleotide variant.
Coding change: c.1506G>C on transcript NM_001166108.2 (MANE Select); coding-DNA position 1506, G replaced by C.
Protein change: p.Glu502Asp; replaces glutamic acid 502 with aspartic acid.
Molecular consequence: missense variant.
Genome position (GRCh38, 1-based): chr4:168,709,032, G>C. VCF-style: chr4-168709032-G-C. GRCh37 (hg19) VCF-style: chr4-169630183-G-C.
Other names: c.360G>C, p.Glu120Asp (NM_001166109.2); c.1506G>C, p.Glu502Asp (NM_016081.4); short protein forms E120D, E502D.
Identifiers: ClinVar variation 3304048 (VCV003304048.1).
Genomic context (GRCh38, chr4:168,709,032, plus strand): 5'-TAAAAGTGACTTCATGGTTCAACTCTGATGAATGATTCTGTTCTCTTCACTTCCAGAGGA[G>C]ATTTGCACCCTAGTTATCGCTGAGACTTTCCCTGAAGATGCAGGGATCTTTACATGTTCA-3'
Protein context (NP_001159580.1, residues 492-512): KKPRSTAEPE[Glu502Asp]ICTLVIAETF

ClinVar aggregate classification (germline): Uncertain significance (1 of 4 stars; one submission).

Submission:

Ambry Genetics
Classification: Uncertain significance. Last evaluated: 2024-03-29. Review status: criteria provided, single submitter. Criteria: Ambry Variant Classification Scheme 2023. Collection method: clinical testing. Allele origin: germline.
Comment: The p.E502D variant (also known as c.1506G>C), located in coding exon 8 of the PALLD gene, results from a G to C substitution at nucleotide position 1506. The glutamic acid at codon 502 is replaced by aspartic acid, an amino acid with highly similar properties. This amino acid position is conserved. In addition, this alteration is predicted to be tolerated by in silico analysis. Based on the available evidence, the clinical significance of this alteration remains unclear.